The following is an entry in ClinVar:

ClinVar aggregate classification (germline): Uncertain significance. Review status: criteria provided, multiple submitters, no conflicts (2 of 4 stars). 3 submissions from 3 submitters: Uncertain significance (3). Last evaluated 2024-07-05.

Conditions:
Hereditary cancer-predisposing syndrome. Also called: Hereditary neoplastic syndrome; Neoplastic Syndromes, Hereditary; Hereditary Cancer Syndrome; Tumor predisposition. Identifiers: Orphanet 140162, MedGen C0027672, MeSH D009386, MONDO:0015356.
Bloom syndrome (BLM). Also called: Bloom-Torre-Machacek syndrome. Identifiers: Orphanet 125, MedGen C0005859, MONDO:0008876, OMIM 210900.

Allele frequency attached by ClinVar (database versions not stated): gnomAD 0.00001.
gnomAD v4.1: 6 of 1,601,012 alleles (0.00037%); highest among the groups gnomAD compares: Non-Finnish European, 0.00017%; no homozygotes.

Submissions (3):

Ambry Genetics
Classification: Uncertain significance for Hereditary cancer-predisposing syndrome. Last evaluated: 2024-07-05. Review status: criteria provided, single submitter. Criteria: Ambry Variant Classification Scheme 2023. Collection method: clinical testing. Allele origin: germline.
Comment: The p.D1071Y variant (also known as c.3211G>T) is located in coding exon 16 of the BLM gene. The aspartic acid at codon 1071 is replaced by tyrosine, an amino acid with highly dissimilar properties. This change occurs in the first base pair of coding exon 16. This amino acid position is not well conserved in available vertebrate species. In addition, the in silico prediction for this alteration is inconclusive. Since supporting evidence is limited at this time, the clinical significance of this alteration remains unclear.

Labcorp Genetics (formerly Invitae), Labcorp
Classification: Uncertain significance for Bloom syndrome. Last evaluated: 2022-11-08. Review status: criteria provided, single submitter. Criteria: Invitae Variant Classification Sherloc (09022015). Collection method: clinical testing. Allele origin: germline.
Comment: In summary, the available evidence is currently insufficient to determine the role of this variant in disease. Therefore, it has been classified as a Variant of Uncertain Significance. Algorithms developed to predict the effect of missense changes on protein structure and function are either unavailable or do not agree on the potential impact of this missense change (SIFT: "Deleterious"; PolyPhen-2: "Possibly Damaging"; Align-GVGD: "Class C0"). ClinVar contains an entry for this variant (Variation ID: 194690). This variant has not been reported in the literature in individuals affected with BLM-related conditions. This variant is present in population databases (rs794727180, gnomAD 0.004%). This sequence change replaces aspartic acid, which is acidic and polar, with tyrosine, which is neutral and polar, at codon 1071 of the BLM protein (p.Asp1071Tyr).

Eurofins Ntd Llc (ga)
Classification: Uncertain significance. Last evaluated: 2014-12-02. Review status: criteria provided, single submitter. Criteria: EGL Classification Definitions 2015. Collection method: clinical testing. Allele origin: germline. Observed: 1 variant allele, 1 heterozygote.

NM_000057.4(BLM):c.3211G>T (p.Asp1071Tyr)

Gene: BLM (BLM RecQ like helicase; plus strand). Cytogenetic location: 15q26.1.
Variant type: single nucleotide variant.
Coding change: c.3211G>T on transcript NM_000057.4 (MANE Select); coding-DNA position 3211, G replaced by T.
Protein change: p.Asp1071Tyr; replaces aspartic acid 1071 with tyrosine.
Molecular consequence: missense variant.
Genome position (GRCh38, 1-based): chr15:90,798,190, G>T. VCF-style: chr15-90798190-G-T. GRCh37 (hg19) VCF-style: chr15-91341420-G-T.
Other names: c.3211G>T, p.Asp1071Tyr (NM_001287246.2, NM_001287247.2); c.2086G>T, p.Asp696Tyr (NM_001287248.2); short protein forms D1071Y, D696Y.
Identifiers: ClinVar variation 194690 (VCV000194690.17), dbSNP rs794727180, ClinGen allele CA240803.